The following is an entry in ClinVar:

NM_024642.5(GALNT12):c.969A>G (p.Glu323=)

Gene: GALNT12 (polypeptide N-acetylgalactosaminyltransferase 12; plus strand). Cytogenetic location: 9q22.33.
Variant type: single nucleotide variant.
Coding change: c.969A>G on transcript NM_024642.5 (MANE Select); coding-DNA position 969, A replaced by G.
Protein change: p.Glu323=; no amino-acid change (glutamic acid 323 retained).
Molecular consequence: synonymous variant.
Genome position (GRCh38, 1-based): chr9:98,835,300, A>G. VCF-style: chr9-98835300-A-G. GRCh37 (hg19) VCF-style: chr9-101597582-A-G.
Identifiers: ClinVar variation 4876191 (VCV004876191.1).
Genomic context (GRCh38, chr9:98,835,300, plus strand): 5'-CTTTTTTAGGTCTCCAACAATGGCTGGTGGGCTGTTTGCTGTGAGTAAGAAATATTTTGA[A>G]TATCTGGGGTCTTATGATACAGGAATGGAAGTTTGGGGAGGAGAAAACCTCGAATTTTCC-3'
Protein context (NP_078918.3, residues 313-333): GLFAVSKKYF[Glu323=]YLGSYDTGME

ClinVar aggregate classification (germline): Benign (1 of 4 stars; one submission).

Conditions:
Colorectal cancer, susceptibility to, 1. Also called: COLORECTAL ADENOMA AND CANCER, SUSCEPTIBILITY TO; COLORECTAL CANCER, SUSCEPTIBILITY TO, ON CHROMOSOME 9. Identifiers: MedGen C1837315, MONDO:0012132, OMIM 608812.

gnomAD v4.1: 6 of 1,613,966 alleles (0.00037%); highest among the groups gnomAD compares: Non-Finnish European, 0.00042%; no homozygotes.

Submission:

Myriad Genetics, Inc.
Classification: Benign for Colorectal cancer, susceptibility to, 1. Last evaluated: 2026-04-24. Review status: criteria provided, single submitter. Criteria: Myriad Autosomal Dominant, Autosomal Recessive and X-Linked Classification Criteria (2023). Collection method: clinical testing. Allele origin: unknown.
Comment: This variant is considered benign. This variant is a silent/synonymous amino acid change and it is not expected to impact splicing.